The following is an entry in ClinVar:

ClinVar aggregate classification (germline): Uncertain significance (1 of 4 stars; one submission).

gnomAD v4.1: 2 of 1,614,044 alleles (0.00012%); highest among the groups gnomAD compares: Non-Finnish European, 0.000085%; no homozygotes.

Submission:

Labcorp Genetics (formerly Invitae), Labcorp
Classification: Uncertain significance. Last evaluated: 2021-09-27. Review status: criteria provided, single submitter. Criteria: Invitae Variant Classification Sherloc (09022015). Collection method: clinical testing. Allele origin: germline.
Comment: In summary, the available evidence is currently insufficient to determine the role of this variant in disease. Therefore, it has been classified as a Variant of Uncertain Significance. This variant has not been reported in the literature in individuals with SIAE-related conditions. This variant is not present in population databases (ExAC no frequency). This sequence change creates a premature translational stop signal (p.Ser371*) in the SIAE gene. It is expected to result in an absent or disrupted protein product. However, the current clinical and genetic evidence is not sufficient to establish whether loss-of-function variants in SIAE cause disease.

NM_170601.5(SIAE):c.1112C>A (p.Ser371Ter)

Gene: SIAE (sialic acid acetylesterase; minus strand). Cytogenetic location: 11q24.2.
Variant type: single nucleotide variant.
Coding change: c.1112C>A on transcript NM_170601.5 (MANE Select); coding-DNA position 1112, C replaced by A.
Protein change: p.Ser371Ter; replaces serine 371 with a stop codon.
Molecular consequence: nonsense.
Genome position (GRCh38, 1-based): chr11:124,639,722, G>T on the plus strand (C>A on the coding strand, the complement: SIAE is on the minus strand). VCF-style: chr11-124639722-G-T. GRCh37 (hg19) VCF-style: chr11-124509618-G-T.
Other names: c.1007C>A, p.Ser336Ter (NM_001199922.2); short protein forms S371*, S336*.
Identifiers: ClinVar variation 1522721 (VCV001522721.6), dbSNP rs773707778, ClinGen allele CA383145251.